The following is an entry in ClinVar:

NM_001458.5(FLNC):c.7947C>T (p.Phe2649=)

Genes: FLNC-AS1 (FLNC antisense RNA 1; minus strand), FLNC (filamin C; plus strand). Cytogenetic location: 7q32.1.
Variant type: single nucleotide variant.
Coding change: c.7947C>T on transcript NM_001458.5 (MANE Select); coding-DNA position 7947, C replaced by T.
Protein change: p.Phe2649=; no amino-acid change (phenylalanine 2649 retained).
Molecular consequence: synonymous variant.
Genome position (GRCh38, 1-based): chr7:128,858,174, C>T. VCF-style: chr7-128858174-C-T. GRCh37 (hg19) VCF-style: chr7-128498228-C-T.
Other names: p.Phe2649=; c.7848C>T, p.Phe2616= (NM_001127487.2).
Identifiers: ClinVar variation 258153 (VCV000258153.48), dbSNP rs368849358, ClinGen allele CA4476386.

ClinVar aggregate classification (germline): Benign/Likely benign. Review status: criteria provided, multiple submitters, no conflicts (2 of 4 stars). 20 submissions from 16 submitters: Benign (3); Likely benign (13). 4 of the submissions do not count toward it. Last evaluated 2026-09-01.

Conditions:
Hypertrophic cardiomyopathy 26. Also called: Cardiomyopathy, familial hypertrophic, 26. Identifiers: Orphanet 75249, MedGen C4310749, MONDO:0014883, OMIM 617047.
Distal myopathy with posterior leg and anterior hand involvement. Also called: WILLIAMS DISTAL MYOPATHY. Identifiers: Orphanet 63273, MedGen C3279722, MONDO:0013550, OMIM 614065.
Myofibrillar myopathy 5. Also called: Filaminopathy (type); FILAMINOPATHY, AUTOSOMAL DOMINANT. Identifiers: Orphanet 171445, MedGen C1836050, MONDO:0012289, OMIM 609524.
Cardiovascular phenotype. Identifiers: MedGen CN230736.
Cardiomyopathy (CMYO). Also called: Cardiomyopathies. Identifiers: Orphanet 167848, MedGen C0878544, MONDO:0004994, HP:0001638. Inheritance: Various modes of inheritance.
Primary dilated cardiomyopathy (DCM). Also called: Dilated Cardiomyopathy. Identifiers: Orphanet 217604, MedGen C0007193, MeSH D002311, MONDO:0005021, HP:0001644. Inheritance: Various modes of inheritance.
Hypertrophic cardiomyopathy. Also called: HYPERTROPHIC MYOCARDIOPATHY. Identifiers: Orphanet 217569, MedGen C0007194, MeSH D002312, MONDO:0005045, HP:0001639.

Allele frequency attached by ClinVar (database versions not stated): ESP Exome Variant Server 0.00025; 1000 Genomes Project 30x 0.00031; 1000 Genomes Project 0.00040; gnomAD exomes 0.00059; ExAC 0.00079; TOPMed 0.00079; gnomAD 0.00082 and 0.00083.
gnomAD v4.1: 1,645 of 1,564,578 alleles (0.11%); highest among the groups gnomAD compares: Non-Finnish European, 0.13%; 1 homozygote.

Submissions (20):

CeGaT Center for Human Genetics Tuebingen
Classification: Likely benign. Last evaluated: 2026-09-01. Review status: criteria provided, single submitter. Criteria: CeGaT Center For Human Genetics Tuebingen Variant Classification Criteria Version 2. Collection method: clinical testing. Allele origin: germline. Affected: yes. Observed: 8 variant alleles.
Comment: FLNC: BP4, BP7, BS1

Labcorp Genetics (formerly Invitae), Labcorp
Classification: Benign for Distal myopathy with posterior leg and anterior hand involvement; Myofibrillar myopathy 5; Hypertrophic cardiomyopathy 26. Last evaluated: 2026-02-01. Review status: criteria provided, single submitter. Criteria: Invitae Variant Classification Sherloc (09022015). Collection method: clinical testing. Allele origin: germline.

Mayo Clinic Laboratories, Mayo Clinic
Classification: Likely benign. Last evaluated: 2025-07-20. Review status: criteria provided, single submitter. Criteria: ACMG Guidelines, 2015. Collection method: clinical testing. Allele origin: germline. Observed: 3 variant alleles.
Comment: BS1, BP4, BP7

Women's Health and Genetics/Laboratory Corporation of America, LabCorp
Classification: Benign. Last evaluated: 2025-06-23. Review status: criteria provided, single submitter. Criteria: LabCorp Variant Classification Summary - May 2015. Collection method: clinical testing. Allele origin: germline.

Molecular Diagnostic Laboratory for Inherited Cardiovascular Disease, Montreal Heart Institute
Classification: Benign. Last evaluated: 2025-04-09. Review status: criteria provided, single submitter. Criteria: ACMG Guidelines, 2015. Collection method: clinical testing. Allele origin: germline. Affected: no.

Blueprint Genetics
Classification: Likely benign. Last evaluated: 2024-11-25. Review status: criteria provided, single submitter. Criteria: ACMG Guidelines, 2015. Collection method: clinical testing. Allele origin: germline.

CHEO Genetics Diagnostic Laboratory, Children's Hospital of Eastern Ontario
Classification: Likely benign for Cardiomyopathy. Last evaluated: 2023-06-06. Review status: criteria provided, single submitter. Criteria: ACMG Guidelines, 2015. Collection method: clinical testing. Allele origin: germline.

GeneDx
Classification: Likely benign. Last evaluated: 2021-01-12. Review status: criteria provided, single submitter. Criteria: GeneDx Variant Classification Process June 2021. Collection method: clinical testing. Allele origin: germline. Affected: yes.

Ambry Genetics
Classification: Likely benign for Cardiovascular phenotype. Last evaluated: 2019-03-04. Review status: criteria provided, single submitter. Criteria: Ambry Variant Classification Scheme 2023. Collection method: clinical testing. Allele origin: germline.

Phosphorus, Inc.
Classification: Likely benign for Primary dilated cardiomyopathy. Last evaluated: 2017-08-01. Review status: criteria provided, single submitter. Criteria: ACMG Guidelines, 2015. Collection method: clinical testing. Allele origin: germline. Observed: 1 variant allele.

Phosphorus, Inc.
Classification: Likely benign for Distal myopathy with posterior leg and anterior hand involvement. Last evaluated: 2017-08-01. Review status: criteria provided, single submitter. Criteria: ACMG Guidelines, 2015. Collection method: clinical testing. Allele origin: germline. Observed: 1 variant allele.

Phosphorus, Inc.
Classification: Likely benign for Hypertrophic cardiomyopathy. Last evaluated: 2017-08-01. Review status: criteria provided, single submitter. Criteria: ACMG Guidelines, 2015. Collection method: clinical testing. Allele origin: germline. Observed: 1 variant allele.

Phosphorus, Inc.
Classification: Likely benign for Myofibrillar myopathy 5. Last evaluated: 2017-08-01. Review status: criteria provided, single submitter. Criteria: ACMG Guidelines, 2015. Collection method: clinical testing. Allele origin: germline. Observed: 1 variant allele.

Phosphorus, Inc.
Classification: Likely benign for Hypertrophic cardiomyopathy 26. Last evaluated: 2017-08-01. Review status: criteria provided, single submitter. Criteria: ACMG Guidelines, 2015. Collection method: clinical testing. Allele origin: germline. Observed: 1 variant allele.

PreventionGenetics, part of Exact Sciences
Classification: Likely benign. Last evaluated: 2015-12-30. Review status: criteria provided, single submitter. Criteria: ACMG Guidelines, 2015. Collection method: clinical testing. Allele origin: germline.

Breakthrough Genomics
Classification: Likely benign. Review status: criteria provided, single submitter. Criteria: ACMG Guidelines, 2015. Collection method: not provided. Allele origin: germline. Inheritance: Autosomal dominant inheritance. Affected: yes.

Clinical Genetics DNA and cytogenetics Diagnostics Lab, Erasmus MC, Erasmus Medical Center
Classification: Likely benign. Review status: no assertion criteria provided. Collection method: clinical testing. Allele origin: germline. Affected: yes. Study: VKGL Data-share Consensus. Not counted in ClinVar's aggregate classification.

Clinical Genetics, Academic Medical Center
Classification: Benign. Review status: no assertion criteria provided. Collection method: clinical testing. Allele origin: germline. Affected: yes. Study: VKGL Data-share Consensus. Not counted in ClinVar's aggregate classification.

Genome Diagnostics Laboratory, University Medical Center Utrecht
Classification: Likely benign. Review status: no assertion criteria provided. Collection method: clinical testing. Allele origin: germline. Affected: yes. Study: VKGL Data-share Consensus. Not counted in ClinVar's aggregate classification.

Joint Genome Diagnostic Labs from Nijmegen and Maastricht, Radboudumc and MUMC+
Classification: Benign. Review status: no assertion criteria provided. Collection method: clinical testing. Allele origin: germline. Affected: yes. Study: VKGL Data-share Consensus. Not counted in ClinVar's aggregate classification.